The following is an entry in ClinVar:

ClinVar aggregate classification (germline): Benign/Likely benign. Review status: criteria provided, multiple submitters, no conflicts (2 of 4 stars). 8 submissions from 8 submitters: Benign (1); Likely benign (5). 2 of the submissions do not count toward it. Last evaluated 2026-01-04.

Conditions:
MSH6-related disorder. Also called: MSH6-related condition; MSH6-Related disorders.
Hereditary nonpolyposis colorectal neoplasms. Identifiers: MedGen C0009405, MeSH D003123.
Hereditary cancer-predisposing syndrome. Also called: Tumor predisposition; Hereditary Cancer Syndrome; Hereditary neoplastic syndrome; Neoplastic Syndromes, Hereditary. Identifiers: Orphanet 140162, MedGen C0027672, MeSH D009386, MONDO:0015356.
Lynch syndrome. Identifiers: Orphanet 144, MedGen C4552100, MONDO:0005835. Disease mechanism: loss of function.
Lynch syndrome 5 (LYNCH5). Also called: Colorectal cancer, hereditary nonpolyposis, type 5; Hereditary non-polyposis colorectal cancer, type 5. Identifiers: Orphanet 144, MedGen C1833477, MONDO:0013710, OMIM 614350. Disease mechanism: loss of function.
Malignant tumor of breast. Also called: Malignant breast neoplasm; Cancer breast. Identifiers: MedGen C0006142, MONDO:0007254. Disease mechanism: loss of function.

Allele frequency attached by ClinVar (database versions not stated): gnomAD exomes below 0.00001 and 0.00002; ExAC 0.00002; gnomAD 0.00005 and 0.00006; TOPMed 0.00006; ESP Exome Variant Server 0.00015.
gnomAD v4.1: 14 of 1,614,010 alleles (0.00087%); highest among the groups gnomAD compares: African/African-American, 0.017%; no homozygotes.

Submissions (8):

Labcorp Genetics (formerly Invitae), Labcorp
Classification: Likely benign for Hereditary nonpolyposis colorectal neoplasms. Last evaluated: 2026-01-04. Review status: criteria provided, single submitter. Criteria: Invitae Variant Classification Sherloc (09022015). Collection method: clinical testing. Allele origin: germline.

Myriad Genetics, Inc.
Classification: Benign for Lynch syndrome 5. Last evaluated: 2025-01-06. Review status: criteria provided, single submitter. Criteria: Myriad Autosomal Dominant, Autosomal Recessive and X-Linked Classification Criteria (2023). Collection method: clinical testing. Allele origin: unknown.
Comment: This variant is considered benign. This variant is a silent/synonymous amino acid change and it is not expected to impact splicing.

All of Us Research Program, National Institutes of Health
Classification: Likely benign for Lynch syndrome. Last evaluated: 2024-04-16. Review status: criteria provided, single submitter. Criteria: ACMG Guidelines, 2015. Collection method: clinical testing. Allele origin: germline. Inheritance: Autosomal dominant inheritance. Observed: 1 variant allele, 1 heterozygote.
Comment: This study involves interpretation of variants in research participants for the purpose of population health screening. Participant phenotype was not available at the time of variant classification. Additional details can be found in publication PMID: 35346344, PMCID: PMC8962531

GeneDx
Classification: Likely benign. Last evaluated: 2017-06-05. Review status: criteria provided, single submitter. Criteria: GeneDx Variant Classification (06012015). Collection method: clinical testing. Allele origin: germline. Affected: yes.
Comment: This variant is considered likely benign or benign based on one or more of the following criteria: it is a conservative change, it occurs at a poorly conserved position in the protein, it is predicted to be benign by multiple in silico algorithms, and/or has population frequency not consistent with disease.

Color Diagnostics, LLC DBA Color Health
Classification: Likely benign for Hereditary cancer-predisposing syndrome. Last evaluated: 2016-01-13. Review status: criteria provided, single submitter. Criteria: ACMG Guidelines, 2015. Collection method: clinical testing. Allele origin: germline.

Ambry Genetics
Classification: Likely benign for Hereditary cancer-predisposing syndrome. Last evaluated: 2015-05-04. Review status: criteria provided, single submitter. Criteria: Ambry Variant Classification Scheme 2023. Collection method: clinical testing. Allele origin: germline.

PreventionGenetics, part of Exact Sciences
Classification: Likely benign for MSH6-related condition. Last evaluated: 2023-05-22. Review status: no assertion criteria provided. Collection method: clinical testing. Allele origin: germline. Not counted in ClinVar's aggregate classification.
Comment: This variant is classified as likely benign based on ACMG/AMP sequence variant interpretation guidelines (Richards et al. 2015 PMID: 25741868, with internal and published modifications).

Department of Pathology and Laboratory Medicine, Sinai Health System
Classification: Likely benign for Malignant tumor of breast. Review status: no assertion criteria provided. Collection method: clinical testing. Allele origin: unknown. Affected: yes. Study: The Canadian Open Genetics Repository (COGR). Not counted in ClinVar's aggregate classification.
Comment: MSH6, EXON5, c.3282A>T, p.Ser1094=, Heterozygous, Likely Benign The MSH6 p.Ser1094= variant was not identified in the literature nor was it identified in the UMD-LSDB database. The variant was identified in dbSNP (ID: rs372996269) â€šÃ„ÃºWith Likely benign alleleâ€šÃ„Ã¹ and ClinVar (classified as likely benign by GeneDx, Ambry Genetics and Color). The variant was identified in control databases in 6 of 277202 chromosomes at a frequency of 0.00002 (Genome Aggregation Database Feb 27, 2017), observed in the following populations: African in 5 of 24034 chromosomes (freq: 0.0002) and Latino in 1 of 34402 chromosomes (freq: 0.00003), but not in the Other, European Non-Finnish, Ashkenazi Jewish, East Asian, European Finnish, or South Asian populations. The p.Ser1094= variant is not expected to have clinical significance because it does not result in a change of amino acid and is not located in a known consensus splice site. In addition, in silico or computational prediction software programs (SpliceSiteFinder, MaxEntScan, NNSPLICE, GeneSplicer) do not predict a difference in splicing. In summary, based on the above information, the clinical significance of this variant cannot be determined with certainty at this time although we would lean towards a more benign role for this variant. This variant is classified as likely benign. Assessment Date: 2019/07/24

NM_000179.3(MSH6):c.3282A>T (p.Ser1094=)

Gene: MSH6 (mutS homolog 6; plus strand). Cytogenetic location: 2p16.3.
Variant type: single nucleotide variant.
Coding change: c.3282A>T on transcript NM_000179.3 (MANE Select); coding-DNA position 3282, A replaced by T.
Protein change: p.Ser1094=; no amino-acid change (serine 1094 retained).
Molecular consequence: synonymous variant.
Genome position (GRCh38, 1-based): chr2:47,803,529, A>T. VCF-style: chr2-47803529-A-T. GRCh37 (hg19) VCF-style: chr2-48030668-A-T.
Other names: c.2892A>T, p.Ser964= (NM_001281492.2); c.2376A>T, p.Ser792= (NM_001281493.2, NM_001281494.2).
Identifiers: ClinVar variation 183923 (VCV000183923.24), dbSNP rs372996269, ClinGen allele CA012425.